The following is an entry in ClinVar:

NM_182914.3(SYNE2):c.4597G>T (p.Val1533Phe)

Gene: SYNE2 (spectrin repeat containing nuclear envelope protein 2; plus strand). Cytogenetic location: 14q23.2.
Variant type: single nucleotide variant.
Coding change: c.4597G>T on transcript NM_182914.3 (MANE Select); coding-DNA position 4597, G replaced by T.
Protein change: p.Val1533Phe; replaces valine 1533 with phenylalanine.
Molecular consequence: missense variant.
Genome position (GRCh38, 1-based): chr14:64,009,985, G>T. VCF-style: chr14-64009985-G-T. GRCh37 (hg19) VCF-style: chr14-64476703-G-T.
Other names: c.4597G>T, p.Val1533Phe (NM_015180.6); c.4597G>T (NM_182914.2); short protein forms V1533F.
Identifiers: ClinVar variation 1966247 (VCV001966247.8), dbSNP rs767299913, ClinGen allele CA7220263.
Genomic context (GRCh38, chr14:64,009,985, plus strand): 5'-ATTTTTGGACATTTAGCTATTGTATATTTTTCTATTCTTAGTCTTGAACAATGTGGGAGA[G>T]TTTTGGAGCTCTTAAAACAATATCAGAATTTTAAAAGCATCTTGACAACTTTGATTCAAA-3'
Protein context (NP_878918.2, residues 1523-1543): VTECLEQCGR[Val1533Phe]LELLKQYQNF

ClinVar aggregate classification (germline): Uncertain significance. Review status: criteria provided, multiple submitters, no conflicts (2 of 4 stars). 3 submissions from 3 submitters: Uncertain significance (3). Last evaluated 2024-11-27.

Conditions:
Emery-Dreifuss muscular dystrophy 5, autosomal dominant (EDMD5). Also called: EMERY-DREIFUSS MUSCULAR DYSTROPHY 5. Identifiers: Orphanet 261, MedGen C2751805, MONDO:0013072, OMIM 612999.

Allele frequency attached by ClinVar (database versions not stated): ExAC 0.00003; gnomAD exomes 0.00003; gnomAD 0.00005; TOPMed 0.00006.
gnomAD v4.1: 46 of 1,613,716 alleles (0.0029%); highest among the groups gnomAD compares: Non-Finnish European, 0.0024%; no homozygotes.

Submissions (3):

Labcorp Genetics (formerly Invitae), Labcorp
Classification: Uncertain significance for Emery-Dreifuss muscular dystrophy 5, autosomal dominant. Last evaluated: 2024-11-27. Review status: criteria provided, single submitter. Criteria: Invitae Variant Classification Sherloc (09022015). Collection method: clinical testing. Allele origin: germline.
Comment: This sequence change replaces valine, which is neutral and non-polar, with phenylalanine, which is neutral and non-polar, at codon 1533 of the SYNE2 protein (p.Val1533Phe). This variant is present in population databases (rs767299913, gnomAD 0.03%). This variant has not been reported in the literature in individuals affected with SYNE2-related conditions. ClinVar contains an entry for this variant (Variation ID: 1966247). An algorithm developed to predict the effect of missense changes on protein structure and function (PolyPhen-2) suggests that this variant is likely to be disruptive. In summary, the available evidence is currently insufficient to determine the role of this variant in disease. Therefore, it has been classified as a Variant of Uncertain Significance.

Revvity Omics, Revvity
Classification: Uncertain significance for Emery-Dreifuss muscular dystrophy 5, autosomal dominant. Last evaluated: 2023-05-25. Review status: criteria provided, single submitter. Criteria: ACMG Guidelines, 2015. Collection method: clinical testing. Allele origin: germline.

Athena Diagnostics
Classification: Uncertain significance. Last evaluated: 2023-05-24. Review status: criteria provided, single submitter. Criteria: Athena Diagnostics Criteria. Collection method: clinical testing. Allele origin: unknown.
Comment: Available data are insufficient to determine the clinical significance of the variant at this time. The frequency of this variant in the general population is uninformative in assessment of its pathogenicity. Computational tools disagree on the variant's effect on normal protein function.